The following is an entry in ClinVar:

ClinVar aggregate classification (germline): Benign/Likely benign. Review status: criteria provided, multiple submitters, no conflicts (2 of 4 stars). 4 submissions from 4 submitters: Benign (1); Likely benign (3). Last evaluated 2025-10-04.

Conditions:
AMN-related disorder. Also called: AMN-related condition.
Imerslund-Grasbeck syndrome type 2. Also called: Megaloblastic anemia 1, Norwegian type; MEGALOBLASTIC ANEMIA, NORWEGIAN TYPE; Imerslund-Gräsbeck syndrome 2. Identifiers: MedGen C4016948, MONDO:0100157, OMIM 618882.
Imerslund-Grasbeck syndrome. Also called: Megaloblastic anemia due to inborn errors of metabolism; ENTEROCYTE COBALAMIN MALABSORPTION; ENTEROCYTE INTRINSIC FACTOR RECEPTOR, DEFECT OF; PERNICIOUS ANEMIA, JUVENILE, DUE TO SELECTIVE INTESTINAL MALABSORPTION OF VITAMIN B12, WITH PROTEINURIA; Imerslund-Gräsbeck syndrome. Identifiers: Orphanet 35858, MedGen C4551825, MONDO:0009853.

Allele frequency attached by ClinVar (database versions not stated): gnomAD exomes 0.00030 and 0.00035; 1000 Genomes Project 30x 0.00031; ESP Exome Variant Server 0.00031; gnomAD 0.00031 and 0.00033; TOPMed 0.00036; 1000 Genomes Project 0.00060; ExAC 0.00096.
gnomAD v4.1: 541 of 1,563,602 alleles (0.035%); highest among the groups gnomAD compares: South Asian, 0.054%; 2 homozygotes.

Submissions (4):

PreventionGenetics, part of Exact Sciences
Classification: Likely benign for AMN-related condition. Last evaluated: 2025-10-04. Review status: criteria provided, single submitter. Criteria: ACMG Guidelines, 2015. Collection method: clinical testing. Allele origin: germline.
Comment: This variant is classified as likely benign based on ACMG/AMP sequence variant interpretation guidelines (Richards et al. 2015 PMID: 25741868, with internal and published modifications).

Labcorp Genetics (formerly Invitae), Labcorp
Classification: Benign for Imerslund-Grasbeck syndrome. Last evaluated: 2025-08-22. Review status: criteria provided, single submitter. Criteria: Invitae Variant Classification Sherloc (09022015). Collection method: clinical testing. Allele origin: germline.

Blueprint Genetics
Classification: Likely benign. Last evaluated: 2024-10-14. Review status: criteria provided, single submitter. Criteria: ACMG Guidelines, 2015. Collection method: clinical testing. Allele origin: germline.

Fulgent Genetics
Classification: Likely benign for Imerslund-Grasbeck syndrome type 2. Last evaluated: 2022-02-04. Review status: criteria provided, single submitter. Criteria: ACMG Guidelines, 2015. Collection method: clinical testing. Allele origin: unknown.

NM_030943.4(AMN):c.909C>T (p.Ala303=)

Gene: AMN (amnion associated transmembrane protein; plus strand). Cytogenetic location: 14q32.32.
Variant type: single nucleotide variant.
Coding change: c.909C>T on transcript NM_030943.4 (MANE Select); coding-DNA position 909, C replaced by T.
Protein change: p.Ala303=; no amino-acid change (alanine 303 retained).
Molecular consequence: synonymous variant.
Genome position (GRCh38, 1-based): chr14:102,929,989, C>T. VCF-style: chr14-102929989-C-T. GRCh37 (hg19) VCF-style: chr14-103396326-C-T.
Identifiers: ClinVar variation 695844 (VCV000695844.14), dbSNP rs373382273, ClinGen allele CA7360036.